The following is an entry in ClinVar:

ClinVar aggregate classification (germline): Uncertain significance (1 of 4 stars; one submission).

gnomAD v4.1: 1 of 1,550,894 alleles (0.000064%); highest among the groups gnomAD compares: Non-Finnish European, 0.000087%; no homozygotes.

Submission:

GeneDx
Classification: Uncertain significance. Last evaluated: 2022-01-20. Review status: criteria provided, single submitter. Criteria: GeneDx Variant Classification Process June 2021. Collection method: clinical testing. Allele origin: germline. Affected: yes.
Comment: Not observed at significant frequency in large population cohorts (gnomAD); In silico analysis supports that this missense variant does not alter protein structure/function; Has not been previously published as pathogenic or benign to our knowledge

NM_000748.3(CHRNB2):c.1117G>T (p.Ala373Ser)

Gene: CHRNB2 (cholinergic receptor nicotinic beta 2 subunit; plus strand). Cytogenetic location: 1q21.3.
Variant type: single nucleotide variant.
Coding change: c.1117G>T on transcript NM_000748.3 (MANE Select); coding-DNA position 1117, G replaced by T.
Protein change: p.Ala373Ser; replaces alanine 373 with serine.
Molecular consequence: missense variant.
Genome position (GRCh38, 1-based): chr1:154,571,940, G>T. VCF-style: chr1-154571940-G-T. GRCh37 (hg19) VCF-style: chr1-154544416-G-T.
Other names: short protein forms A373S.
Identifiers: ClinVar variation 1698259 (VCV001698259.2), dbSNP rs778714852, ClinGen allele CA342631515.